The following is an entry in ClinVar:

NM_014049.5(ACAD9):c.959-5C>T

Gene: ACAD9 (acyl-CoA dehydrogenase family member 9; plus strand). Cytogenetic location: 3q21.3.
Variant type: single nucleotide variant.
Coding change: c.959-5C>T on transcript NM_014049.5 (MANE Select); 5 bases into the intron before coding-DNA position 959, C replaced by T.
Molecular consequence: intron variant.
Genome position (GRCh38, 1-based): chr3:128,904,057, C>T. VCF-style: chr3-128904057-C-T. GRCh37 (hg19) VCF-style: chr3-128622900-C-T.
Other names: c.959-5C>T (NM_014049.4).
Identifiers: ClinVar variation 1094729 (VCV001094729.11), dbSNP rs539429758, ClinGen allele CA82532847.

ClinVar aggregate classification (germline): Likely benign. Review status: criteria provided, single submitter (1 of 4 stars). 2 submissions from 2 submitters: Likely benign (1). 1 of the submissions does not count toward it. Last evaluated 2023-05-15.

Conditions:
ACAD9-related disorder. Also called: ACAD9-related condition.

Allele frequency attached by ClinVar (database versions not stated): TOPMed below 0.00001; gnomAD exomes 0.00001.

Submissions (2):

Labcorp Genetics (formerly Invitae), Labcorp
Classification: Likely benign. Last evaluated: 2023-05-15. Review status: criteria provided, single submitter. Criteria: Invitae Variant Classification Sherloc (09022015). Collection method: clinical testing. Allele origin: germline.

PreventionGenetics, part of Exact Sciences
Classification: Likely benign for ACAD9-related condition. Last evaluated: 2020-02-20. Review status: no assertion criteria provided. Collection method: clinical testing. Allele origin: germline. Not counted in ClinVar's aggregate classification.
Comment: This variant is classified as likely benign based on ACMG/AMP sequence variant interpretation guidelines (Richards et al. 2015 PMID: 25741868, with internal and published modifications).